The following is an entry in ClinVar:

NM_005956.4(MTHFD1):c.2665C>T (p.Arg889Cys)

Genes: MTHFD1 (methylenetetrahydrofolate dehydrogenase, cyclohydrolase and formyltetrahydrofolate synthetase 1; plus strand), ZBTB25 (zinc finger and BTB domain containing 25; minus strand). Cytogenetic location: 14q23.3.
Variant type: single nucleotide variant.
Coding change: c.2665C>T on transcript NM_005956.4 (MANE Select); coding-DNA position 2665, C replaced by T.
Protein change: p.Arg889Cys; replaces arginine 889 with cysteine.
Molecular consequence: missense variant. On other transcripts: intron variant (1).
Genome position (GRCh38, 1-based): chr14:64,454,822, C>T. VCF-style: chr14-64454822-C-T. GRCh37 (hg19) VCF-style: chr14-64921540-C-T.
Other names: c.2665C>T, p.Arg889Cys (NM_001364837.1); c.174-5184G>A (NM_001304508.1); short protein forms R889C.
Identifiers: ClinVar variation 1449844 (VCV001449844.7), dbSNP rs767011731, ClinGen allele CA390003646.

ClinVar aggregate classification (germline): Uncertain significance. Review status: criteria provided, multiple submitters, no conflicts (2 of 4 stars). 2 submissions from 2 submitters: Uncertain significance (2). Last evaluated 2025-04-14.

Conditions:
Inborn genetic diseases. Identifiers: MedGen C0950123, MeSH D030342.

Allele frequency attached by ClinVar (database versions not stated): gnomAD 0.00004 and 0.00003.
gnomAD v4.1: 29 of 1,614,074 alleles (0.0018%); highest among the groups gnomAD compares: Middle Eastern, 0.016%; no homozygotes.

Submissions (2):

Ambry Genetics
Classification: Uncertain significance for Inborn genetic diseases. Last evaluated: 2025-04-14. Review status: criteria provided, single submitter. Criteria: Ambry Variant Classification Scheme 2023. Collection method: clinical testing. Allele origin: germline.

Labcorp Genetics (formerly Invitae), Labcorp
Classification: Uncertain significance. Last evaluated: 2022-05-13. Review status: criteria provided, single submitter. Criteria: Invitae Variant Classification Sherloc (09022015). Collection method: clinical testing. Allele origin: germline.
Comment: This sequence change replaces arginine, which is basic and polar, with cysteine, which is neutral and slightly polar, at codon 889 of the MTHFD1 protein (p.Arg889Cys). This variant is present in population databases (no rsID available, gnomAD 0.003%). This variant has not been reported in the literature in individuals affected with MTHFD1-related conditions. Algorithms developed to predict the effect of missense changes on protein structure and function are either unavailable or do not agree on the potential impact of this missense change (SIFT: "Deleterious"; PolyPhen-2: "Probably Damaging"; Align-GVGD: "Class C0"). In summary, the available evidence is currently insufficient to determine the role of this variant in disease. Therefore, it has been classified as a Variant of Uncertain Significance.